The following is an entry in ClinVar:

ClinVar aggregate classification (germline): Pathogenic/Likely pathogenic. Review status: criteria provided, multiple submitters, no conflicts (2 of 4 stars). 6 submissions from 6 submitters: Pathogenic (1); Likely pathogenic (5). Last evaluated 2026-04-14.

Conditions:
Neurofibromatosis, type 1 (NF1). Also called: VON RECKLINGHAUSEN DISEASE; Neurofibromatosis, type I; NEUROFIBROMATOSIS, TYPE I, SOMATIC; Peripheral type neurofibromatosis. Identifiers: Orphanet 636, MedGen C0027831, MONDO:0018975, OMIM 162200. Disease mechanism: loss of function.
Cardiovascular phenotype. Identifiers: MedGen CN230736.
Hereditary cancer-predisposing syndrome. Also called: Tumor predisposition; Hereditary Cancer Syndrome; Neoplastic Syndromes, Hereditary; Hereditary neoplastic syndrome. Identifiers: Orphanet 140162, MedGen C0027672, MeSH D009386, MONDO:0015356.

Submissions (6):

Ambry Genetics
Classification: Likely pathogenic for Cardiovascular phenotype; Hereditary cancer-predisposing syndrome. Last evaluated: 2026-04-14. Review status: criteria provided, single submitter. Criteria: Ambry Variant Classification Scheme 2023. Collection method: clinical testing. Allele origin: germline.
Comment: The p.L499R variant (also known as c.1496T>G), located in coding exon 13 of the NF1 gene, results from a T to G substitution at nucleotide position 1496. The leucine at codon 499 is replaced by arginine, an amino acid with dissimilar properties. This alteration was detected in an individual with NF1 or clinical suspicion of NF1 (Bianchessi D et al. Mol Genet Genomic Med, 2015 Nov;3:513-25; Paulo P et al. J Mol Diagn, 2017 07;19:502-513). Based on internal structural analysis, this variant is more disruptive than known pathogenic variants (Ambry internal data). This missense variant is located in a region that has a low rate of benign missense variation (Lek M et al. Nature. 2016 Aug 18;536(7616):285-91; DECIPHER: Database of Chromosomal Imbalance and Phenotype in Humans using Ensembl Resources. Firth H.V. et al. 2009. Am.J.Hum.Genet. 84, 524-533 (DOI)). This amino acid position is highly conserved in available vertebrate species. In addition, this alteration is predicted to be deleterious by in silico analysis. Based on the majority of available evidence to date, this variant is likely to be pathogenic.

NHS Central & South Genomic Laboratory Hub
Classification: Likely pathogenic for Neurofibromatosis type 1. Last evaluated: 2024-11-11. Review status: criteria provided, single submitter. Criteria: ACMG Guidelines, 2015. Collection method: clinical testing. Allele origin: germline. Affected: yes.

Labcorp Genetics (formerly Invitae), Labcorp
Classification: Pathogenic for Neurofibromatosis, type 1. Last evaluated: 2023-07-29. Review status: criteria provided, single submitter. Criteria: Invitae Variant Classification Sherloc (09022015). Collection method: clinical testing. Allele origin: germline.
Comment: This sequence change replaces leucine, which is neutral and non-polar, with arginine, which is basic and polar, at codon 499 of the NF1 protein (p.Leu499Arg). This variant is not present in population databases (gnomAD no frequency). This missense change has been observed in individuals with clinical features of neurofibromatosis type 1 (PMID: 26740943, 28529006). It has also been observed to segregate with disease in related individuals. ClinVar contains an entry for this variant (Variation ID: 547592). Advanced modeling of protein sequence and biophysical properties (such as structural, functional, and spatial information, amino acid conservation, physicochemical variation, residue mobility, and thermodynamic stability) performed at Invitae indicates that this missense variant is expected to disrupt NF1 protein function. This variant disrupts the p.Leu499 amino acid residue in NF1. Other variant(s) that disrupt this residue have been observed in individuals with NF1-related conditions (Invitae), which suggests that this may be a clinically significant amino acid residue. For these reasons, this variant has been classified as Pathogenic.

Genome-Nilou Lab
Classification: Likely pathogenic for Neurofibromatosis, type 1. Last evaluated: 2022-03-15. Review status: criteria provided, single submitter. Criteria: ACMG Guidelines, 2015. Collection method: clinical testing. Allele origin: germline. Affected: no.

Genome Diagnostics Laboratory, The Hospital for Sick Children
Classification: Likely pathogenic for Neurofibromatosis, type 1. Last evaluated: 2020-10-26. Review status: criteria provided, single submitter. Criteria: ACMG Guidelines, 2015. Collection method: clinical testing. Allele origin: germline. Affected: yes.

Center for Human Genetics, Inc
Classification: Likely pathogenic for Neurofibromatosis, type 1. Last evaluated: 2016-11-01. Review status: criteria provided, single submitter. Criteria: ACMG Guidelines, 2015. Collection method: clinical testing. Allele origin: germline. Affected: yes.

Literature cited by the submitters: PubMed 26740943 (cited by Ambry Genetics and Labcorp Genetics (formerly Invitae), Labcorp); PubMed 28529006 (cited by Ambry Genetics and Labcorp Genetics (formerly Invitae), Labcorp).

NM_001042492.3(NF1):c.1496T>G (p.Leu499Arg)

Gene: NF1 (neurofibromin 1; plus strand). Cytogenetic location: 17q11.2.
Variant type: single nucleotide variant.
Coding change: c.1496T>G on transcript NM_001042492.3 (MANE Select); coding-DNA position 1496, T replaced by G.
Protein change: p.Leu499Arg; replaces leucine 499 with arginine.
Molecular consequence: missense variant.
Genome position (GRCh38, 1-based): chr17:31,214,554, T>G. VCF-style: chr17-31214554-T-G. GRCh37 (hg19) VCF-style: chr17-29541572-T-G.
Other names: c.1496T>G, p.Leu499Arg (NM_000267.4, NM_001128147.3); short protein forms L499R.
Identifiers: ClinVar variation 547592 (VCV000547592.16), dbSNP rs1555612288, ClinGen allele CA399001641.